The following is an entry in ClinVar:

NM_000217.3(KCNA1):c.443A>C (p.Glu148Ala)

Gene: KCNA1 (potassium voltage-gated channel subfamily A member 1; plus strand). Cytogenetic location: 12p13.32.
Variant type: single nucleotide variant.
Coding change: c.443A>C on transcript NM_000217.3 (MANE Select); coding-DNA position 443, A replaced by C.
Protein change: p.Glu148Ala; replaces glutamic acid 148 with alanine.
Molecular consequence: missense variant.
Genome position (GRCh38, 1-based): chr12:4,911,821, A>C. VCF-style: chr12-4911821-A-C. GRCh37 (hg19) VCF-style: chr12-5020987-A-C.
Other names: short protein forms E148A.
Identifiers: ClinVar variation 4753096 (VCV004753096.1).

ClinVar aggregate classification (germline): Uncertain significance (1 of 4 stars; one submission).

Conditions:
Episodic ataxia type 1 (EA1). Also called: Episodic ataxia/myokymia syndrome; ATAXIA, EPISODIC, WITH MYOKYMIA; MYOKYMIA WITH PERIODIC ATAXIA; PAROXYSMAL ATAXIA WITH NEUROMYOTONIA, HEREDITARY. Identifiers: Orphanet 37612, Orphanet 972, MedGen C1719788, MONDO:0008047, OMIM 160120.

Submission:

Labcorp Genetics (formerly Invitae), Labcorp
Classification: Uncertain significance for Episodic ataxia type 1. Last evaluated: 2025-02-13. Review status: criteria provided, single submitter. Criteria: Invitae Variant Classification Sherloc (09022015). Collection method: clinical testing. Allele origin: germline.
Comment: This sequence change replaces glutamic acid, which is acidic and polar, with alanine, which is neutral and non-polar, at codon 148 of the KCNA1 protein (p.Glu148Ala). This variant is not present in population databases (gnomAD no frequency). This variant has not been reported in the literature in individuals affected with KCNA1-related conditions. Invitae Evidence Modeling of protein sequence and biophysical properties (such as structural, functional, and spatial information, amino acid conservation, physicochemical variation, residue mobility, and thermodynamic stability) has been performed for this missense variant. However, the output from this modeling did not meet the statistical confidence thresholds required to predict the impact of this variant on KCNA1 protein function. In summary, the available evidence is currently insufficient to determine the role of this variant in disease. Therefore, it has been classified as a Variant of Uncertain Significance.